The following is an entry in ClinVar:

NM_004655.4(AXIN2):c.266A>G (p.Gln89Arg)

Gene: AXIN2 (axin 2; minus strand). Cytogenetic location: 17q24.1.
Variant type: single nucleotide variant.
Coding change: c.266A>G on transcript NM_004655.4 (MANE Select); coding-DNA position 266, A replaced by G.
Protein change: p.Gln89Arg; replaces glutamine 89 with arginine.
Molecular consequence: missense variant.
Genome position (GRCh38, 1-based): chr17:65,558,355, T>C on the plus strand (A>G on the coding strand, the complement: AXIN2 is on the minus strand). VCF-style: chr17-65558355-T-C. GRCh37 (hg19) VCF-style: chr17-63554473-T-C.
Other names: c.266A>G, p.Gln89Arg (NM_001363813.1); short protein forms Q89R.
Identifiers: ClinVar variation 3688267 (VCV003688267.2).

ClinVar aggregate classification (germline): Uncertain significance (1 of 4 stars; one submission).

Conditions:
Oligodontia-cancer predisposition syndrome. Also called: TOOTH AGENESIS-COLORECTAL CANCER SYNDROME. Identifiers: Orphanet 300576, MedGen C1837750, MONDO:0012075, OMIM 608615. Disease mechanism: loss of function.

gnomAD v4.1: 1 of 1,614,080 alleles (0.000062%); no homozygotes.

Submission:

Labcorp Genetics (formerly Invitae), Labcorp
Classification: Uncertain significance for Oligodontia-cancer predisposition syndrome. Last evaluated: 2024-03-18. Review status: criteria provided, single submitter. Criteria: Invitae Variant Classification Sherloc (09022015). Collection method: clinical testing. Allele origin: germline.
Comment: This sequence change replaces glutamine, which is neutral and polar, with arginine, which is basic and polar, at codon 89 of the AXIN2 protein (p.Gln89Arg). This variant is present in population databases (no rsID available, gnomAD 0.0009%). This variant has not been reported in the literature in individuals affected with AXIN2-related conditions. Advanced modeling of protein sequence and biophysical properties (such as structural, functional, and spatial information, amino acid conservation, physicochemical variation, residue mobility, and thermodynamic stability) performed at Invitae indicates that this missense variant is not expected to disrupt AXIN2 protein function with a negative predictive value of 80%. In summary, the available evidence is currently insufficient to determine the role of this variant in disease. Therefore, it has been classified as a Variant of Uncertain Significance.